The following is an entry in ClinVar:

ClinVar aggregate classification (germline): Likely pathogenic (1 of 4 stars; one submission).

Conditions:
Thrombocytopenia 5 (THC5). Also called: THROMBOCYTOPENIA 5 WITH INCREASED SUSCEPTIBILITY TO MALIGNANCY; THROMBOCYTOPENIA, AUTOSOMAL DOMINANT, 5. Identifiers: MedGen C4015537, MONDO:0014536, OMIM 616216.

Submission:

ISTH-SSC Genomics in Thrombosis and Hemostasis, KU Leuven, Center for Molecular and Vascular Biology
Classification: Likely pathogenic for Thrombocytopenia 5. Review status: criteria provided, single submitter. Criteria: ACMG Guidelines, 2015. Collection method: clinical testing. Allele origin: germline. Affected: yes. Observed: 1 heterozygote.
Comment: Submitted to the GoldVariant database by Kathleen Freson, Center for Molecular and Vascular Biology

NM_001987.5(ETV6):c.1254-2A>C

Gene: ETV6 (ETS variant transcription factor 6; plus strand). Cytogenetic location: 12p13.2.
Variant type: single nucleotide variant.
Coding change: c.1254-2A>C on transcript NM_001987.5 (MANE Select); the canonical splice acceptor site of the intron before coding-DNA position 1254, A replaced by C.
Molecular consequence: splice acceptor variant.
Genome position (GRCh38, 1-based): chr12:11,890,939, A>C. VCF-style: chr12-11890939-A-C. GRCh37 (hg19) VCF-style: chr12-12043873-A-C.
Other names: c.1227-2A>C (NM_001413914.1); c.1010-2A>C (NM_001413917.1); c.1251-2A>C (NM_001413913.1); c.990-2A>C (NM_001413915.1).
Identifiers: ClinVar variation 2572125 (VCV002572125.1), dbSNP rs2498210885, ClinGen allele CA384045043.